The following is an entry in ClinVar:

ClinVar aggregate classification (germline): Uncertain significance (1 of 4 stars; one submission).

Conditions:
Vici syndrome (VICIS). Identifiers: Orphanet 1493, MedGen C1855772, MONDO:0009452, OMIM 242840.

Allele frequency attached by ClinVar (database versions not stated): gnomAD 0.00001 and 0.00002; ExAC 0.00002; gnomAD exomes 0.00002 and 0.00003; TOPMed 0.00002.
gnomAD v4.1: 39 of 1,611,928 alleles (0.0024%); highest among the groups gnomAD compares: East Asian, 0.0089%; no homozygotes.

Submission:

Labcorp Genetics (formerly Invitae), Labcorp
Classification: Uncertain significance for Vici syndrome. Last evaluated: 2021-09-01. Review status: criteria provided, single submitter. Criteria: Invitae Variant Classification Sherloc (09022015). Collection method: clinical testing. Allele origin: germline.
Comment: This sequence change falls in intron 41 of the EPG5 gene. It does not directly change the encoded amino acid sequence of the EPG5 protein. It affects a nucleotide within the consensus splice site of the intron. This variant is present in population databases (rs775743724, ExAC 0.01%). This variant has not been reported in the literature in individuals affected with EPG5-related conditions. Variants that disrupt the consensus splice site are a relatively common cause of aberrant splicing (PMID: 17576681, 9536098). Algorithms developed to predict the effect of sequence changes on RNA splicing suggest that this variant is not likely to affect RNA splicing. In summary, the available evidence is currently insufficient to determine the role of this variant in disease. Therefore, it has been classified as a Variant of Uncertain Significance.

Literature cited by the submitters: PubMed 17576681; PubMed 9536098.

NM_020964.3(EPG5):c.7226+6T>C

Gene: EPG5 (ectopic P-granules 5 autophagy tethering factor; minus strand). Cytogenetic location: 18q12.3.
Variant type: single nucleotide variant.
Coding change: c.7226+6T>C on transcript NM_020964.3 (MANE Select); 6 bases into the intron after coding-DNA position 7226, T replaced by C.
Molecular consequence: intron variant.
Genome position (GRCh38, 1-based): chr18:45,858,560, A>G on the plus strand (T>C on the coding strand, the complement: EPG5 is on the minus strand). VCF-style: chr18-45858560-A-G. GRCh37 (hg19) VCF-style: chr18-43438525-A-G.
Identifiers: ClinVar variation 1009044 (VCV001009044.7), dbSNP rs775743724, ClinGen allele CA8948054.